The following is an entry in ClinVar:

ClinVar aggregate classification (germline): Uncertain significance (1 of 4 stars; one submission).

Conditions:
Combined immunodeficiency due to LRBA deficiency. Also called: Common variable immunodeficiency 8, with autoimmunity. Identifiers: Orphanet 445018, MedGen C3553512, MONDO:0013863, OMIM 614700.

Submission:

Labcorp Genetics (formerly Invitae), Labcorp
Classification: Uncertain significance for Common variable immunodeficiency 8, with autoimmunity. Last evaluated: 2019-12-20. Review status: criteria provided, single submitter. Criteria: Invitae Variant Classification Sherloc (09022015). Collection method: clinical testing. Allele origin: germline.
Comment: This variant results in a copy number gain of the genomic region encompassing exons 2-35 of the LRBA gene. The 5' end of this event is unknown as it extends beyond the assayed region for this gene and therefore may encompass additional genes. The 3' boundary is likely confined to intron 35 of the LRBA gene. As the precise location of this event is unknown, it may be in tandem or it may be located elsewhere in the genome. This variant has not been reported in the literature in individuals with LRBA-related disease. Experimental studies and prediction algorithms are not available for this variant, and the functional significance of the duplicated amino acids is currently unknown. In summary, the available evidence is currently insufficient to determine the role of this variant in disease. Therefore, it has been classified as a Variant of Uncertain Significance.

NC_000004.11:g.(?_151682915)_(151935814_?)dup

Genes: LRBA (LPS responsive beige-like anchor protein; minus strand), LOC108281188 (LRBA intron ENCODE-defined enhancer; plus strand), LOC129993220 (ATAC-STARR-seq lymphoblastoid active region 22015; plus strand). Cytogenetic location: 4q31.3.
Variant type: Duplication.
Identifiers: ClinVar variation 584298 (VCV000584298.4).